The following is an entry in ClinVar:

NM_000503.6(EYA1):c.1160T>C (p.Ile387Thr)

Gene: EYA1 (EYA transcriptional coactivator and phosphatase 1; minus strand). Cytogenetic location: 8q13.3.
Variant type: single nucleotide variant.
Coding change: c.1160T>C on transcript NM_000503.6 (MANE Select); coding-DNA position 1160, T replaced by C.
Protein change: p.Ile387Thr; replaces isoleucine 387 with threonine.
Molecular consequence: missense variant.
Genome position (GRCh38, 1-based): chr8:71,217,004, A>G on the plus strand (T>C on the coding strand, the complement: EYA1 is on the minus strand). VCF-style: chr8-71217004-A-G. GRCh37 (hg19) VCF-style: chr8-72129239-A-G.
Other names: c.1142T>C, p.Ile381Thr (NM_001288574.2, NM_172059.5); c.794T>C, p.Ile265Thr (NM_001288575.2); c.1247T>C, p.Ile416Thr (NM_001370333.1); c.1160T>C, p.Ile387Thr (NM_001370334.1, NM_001370335.1, NM_172058.4); c.1139T>C, p.Ile380Thr (NM_001370336.1); c.1061T>C, p.Ile354Thr (NM_001411797.1, NM_172060.4); short protein forms I265T, I354T, I380T, I381T, I387T, I416T.
Identifiers: ClinVar variation 3354298 (VCV003354298.1).
Genomic context (GRCh38, chr8:71,217,004, plus strand): 5'-TTCACATTCAAGGGTGCTCACCTTAGGTCCTGTCCGTTATCATCTGAAGAAACATCATCT[A>G]TATGGACTTGGTCACATTCCTAAAATGCAATTAAAATGATACATGTCAATTTTTTAAGAG-3'
Protein context (NP_000494.2, residues 377-397): NDLEECDQVH[Ile387Thr]DDVSSDDNGQ

ClinVar aggregate classification (germline): Uncertain significance (0 of 4 stars; one submission).

Conditions:
EYA1-related disorder. Also called: EYA1-related condition.

gnomAD v4.1: 3 of 1,613,564 alleles (0.00019%); highest among the groups gnomAD compares: East Asian, 0.0022%; no homozygotes.

Submission:

PreventionGenetics, part of Exact Sciences
Classification: Uncertain significance for EYA1-related condition. Last evaluated: 2024-06-16. Review status: no assertion criteria provided. Collection method: clinical testing. Allele origin: germline.
Comment: The EYA1 c.1160T>C variant is predicted to result in the amino acid substitution p.Ile387Thr. To our knowledge, this variant has not been reported in the literature or in a large population database, indicating this variant is rare. At this time, the clinical significance of this variant is uncertain due to the absence of conclusive functional and genetic evidence.